The following is an entry in ClinVar:

ClinVar aggregate classification (germline): Uncertain significance (1 of 4 stars; one submission).

Conditions:
Immunodeficiency, common variable, 7. Identifiers: Orphanet 1572, Orphanet 696894, MedGen C3542922, MONDO:0013862, OMIM 614699.

Allele frequency attached by ClinVar (database versions not stated): gnomAD 0.00001; TOPMed 0.00002; gnomAD exomes 0.00001.
gnomAD v4.1: 7 of 1,613,804 alleles (0.00043%); highest among the groups gnomAD compares: Admixed American, 0.012%; no homozygotes.

Submission:

Labcorp Genetics (formerly Invitae), Labcorp
Classification: Uncertain significance for Immunodeficiency, common variable, 7. Last evaluated: 2021-11-13. Review status: criteria provided, single submitter. Criteria: Invitae Variant Classification Sherloc (09022015). Collection method: clinical testing. Allele origin: germline.
Comment: Algorithms developed to predict the effect of missense changes on protein structure and function are either unavailable or do not agree on the potential impact of this missense change (SIFT: "Tolerated"; PolyPhen-2: "Possibly Damaging"; Align-GVGD: "Class C0"). In summary, the available evidence is currently insufficient to determine the role of this variant in disease. Therefore, it has been classified as a Variant of Uncertain Significance. This variant has not been reported in the literature in individuals affected with CR2-related conditions. This variant is present in population databases (no rsID available, gnomAD 0.009%). This sequence change replaces glutamic acid, which is acidic and polar, with glycine, which is neutral and non-polar, at codon 653 of the CR2 protein (p.Glu653Gly).

NM_001006658.3(CR2):c.1958A>G (p.Glu653Gly)

Gene: CR2 (complement C3d receptor 2; plus strand). Cytogenetic location: 1q32.2.
Variant type: single nucleotide variant.
Coding change: c.1958A>G on transcript NM_001006658.3 (MANE Select); coding-DNA position 1958, A replaced by G.
Protein change: p.Glu653Gly; replaces glutamic acid 653 with glycine.
Molecular consequence: missense variant.
Genome position (GRCh38, 1-based): chr1:207,473,159, A>G. VCF-style: chr1-207473159-A-G. GRCh37 (hg19) VCF-style: chr1-207646504-A-G.
Other names: c.1958A>G, p.Glu653Gly (NM_001877.5); short protein forms E653G.
Identifiers: ClinVar variation 1405604 (VCV001405604.6), dbSNP rs1404530321, ClinGen allele CA344535489.